The following is an entry in ClinVar:

GRCh37/hg19 21q22.2-22.3(chr21:41537095-46914745)

Genes: ABCG1 (ATP binding cassette subfamily G member 1; plus strand), ADARB1 (adenosine deaminase RNA specific B1; plus strand), AGPAT3 (1-acylglycerol-3-phosphate O-acyltransferase 3; plus strand), AIRE (autoimmune regulator; plus strand), BACE2 (beta-secretase 2; plus strand) and 67 more. Cytogenetic location: 21q22.2-22.3.
Variant type: copy number loss.
Identifiers: ClinVar variation 625618 (VCV000625618.1).

ClinVar aggregate classification (germline): Pathogenic (1 of 4 stars; one submission).

Submission:

Baylor Genetics
Classification: Pathogenic. Last evaluated: 2018-11-01. Review status: criteria provided, single submitter. Criteria: ACMG CNV Guidelines, 2011. Collection method: clinical testing. Allele origin: germline. Observed: 1 variant allele.